The following is an entry in ClinVar:

ClinVar aggregate classification (germline): Uncertain significance. Review status: criteria provided, multiple submitters, no conflicts (2 of 4 stars). 2 submissions from 2 submitters: Uncertain significance (2). Last evaluated 2026-01-17.

Conditions:
Cardiovascular phenotype. Identifiers: MedGen CN230736.
Osteogenesis imperfecta type I (OI1). Also called: OI, TYPE I; OSTEOGENESIS IMPERFECTA TARDA; OSTEOGENESIS IMPERFECTA WITH BLUE SCLERAE; Osteogenesis imperfecta type 1; Lobstein's Disease; Classic Non-deforming Osteogenesis Imperfecta with Blue Sclerae. Identifiers: Orphanet 216796, Orphanet 666, MedGen C0023931, MONDO:0008146, OMIM 166200. Disease mechanism: loss of function.

Allele frequency attached by ClinVar (database versions not stated): TOPMed below 0.00001; gnomAD 0.00001; ExAC 0.00002.
gnomAD v4.1: 2 of 1,613,860 alleles (0.00012%); highest among the groups gnomAD compares: African/African-American, 0.0013%; no homozygotes.

Submissions (2):

Ambry Genetics
Classification: Uncertain significance for Cardiovascular phenotype. Last evaluated: 2026-01-17. Review status: criteria provided, single submitter. Criteria: Ambry Variant Classification Scheme 2023. Collection method: clinical testing. Allele origin: germline.
Comment: The p.I1439M variant (also known as c.4317C>G), located in coding exon 51 of the COL1A1 gene, results from a C to G substitution at nucleotide position 4317. The isoleucine at codon 1439 is replaced by methionine, an amino acid with highly similar properties. This amino acid position is conserved. In addition, this alteration is predicted to be deleterious by in silico analysis. Based on the available evidence, the clinical significance of this variant remains unclear.

Labcorp Genetics (formerly Invitae), Labcorp
Classification: Uncertain significance for Osteogenesis imperfecta type I. Last evaluated: 2023-08-27. Review status: criteria provided, single submitter. Criteria: Invitae Variant Classification Sherloc (09022015). Collection method: clinical testing. Allele origin: germline.
Comment: This variant has not been reported in the literature in individuals affected with COL1A1-related conditions. In summary, the available evidence is currently insufficient to determine the role of this variant in disease. Therefore, it has been classified as a Variant of Uncertain Significance. Advanced modeling of protein sequence and biophysical properties (such as structural, functional, and spatial information, amino acid conservation, physicochemical variation, residue mobility, and thermodynamic stability) has been performed at Invitae for this missense variant, however the output from this modeling did not meet the statistical confidence thresholds required to predict the impact of this variant on COL1A1 protein function. This variant is present in population databases (rs778266654, gnomAD 0.004%). This sequence change replaces isoleucine, which is neutral and non-polar, with methionine, which is neutral and non-polar, at codon 1439 of the COL1A1 protein (p.Ile1439Met).

NM_000088.4(COL1A1):c.4317C>G (p.Ile1439Met)

Gene: COL1A1 (collagen type I alpha 1 chain; minus strand). Cytogenetic location: 17q21.33.
Variant type: single nucleotide variant.
Coding change: c.4317C>G on transcript NM_000088.4 (MANE Select); coding-DNA position 4317, C replaced by G.
Protein change: p.Ile1439Met; replaces isoleucine 1439 with methionine.
Molecular consequence: missense variant.
Genome position (GRCh38, 1-based): chr17:50,185,580, G>C on the plus strand (C>G on the coding strand, the complement: COL1A1 is on the minus strand). VCF-style: chr17-50185580-G-C. GRCh37 (hg19) VCF-style: chr17-48262941-G-C.
Other names: short protein forms I1439M.
Identifiers: ClinVar variation 2876515 (VCV002876515.4), dbSNP rs778266654, ClinGen allele CA8644182.
Genomic context (GRCh38, chr17:50,185,580, plus strand): 5'-GCCAACGTCGAAGCCGAATTCCTGGTCTGGGGCACCAACGTCCAAGGGGGCCACATCGAT[G>C]ATGGGCAGGCGGGAGGTCTTGGTGGTTTTGTATTCAATCACTGTCTTGCCCCAGGCTCCG-3'
Protein context (NP_000079.2, residues 1429-1449): YKTTKTSRLP[Ile1439Met]IDVAPLDVGA